The following is an entry in ClinVar:

ClinVar aggregate classification (germline): Uncertain significance (1 of 4 stars; one submission).

gnomAD v4.1: 10 of 1,611,592 alleles (0.00062%); highest among the groups gnomAD compares: Admixed American, 0.015%; no homozygotes.

Submission:

Labcorp Genetics (formerly Invitae), Labcorp
Classification: Uncertain significance. Last evaluated: 2024-06-13. Review status: criteria provided, single submitter. Criteria: Invitae Variant Classification Sherloc (09022015). Collection method: clinical testing. Allele origin: germline.
Comment: This sequence change falls in intron 7 of the ATPAF2 gene. It does not directly change the encoded amino acid sequence of the ATPAF2 protein. It affects a nucleotide within the consensus splice site. This variant is present in population databases (rs768939307, gnomAD 0.02%). This variant has not been reported in the literature in individuals affected with ATPAF2-related conditions. Variants that disrupt the consensus splice site are a relatively common cause of aberrant splicing (PMID: 17576681, 9536098). Algorithms developed to predict the effect of sequence changes on RNA splicing suggest that this variant may create or strengthen a splice site. In summary, the available evidence is currently insufficient to determine the role of this variant in disease. Therefore, it has been classified as a Variant of Uncertain Significance.

Literature cited by the submitters: PubMed 17576681; PubMed 9536098.

NM_145691.4(ATPAF2):c.732+5G>A

Gene: ATPAF2 (ATP synthase mitochondrial F1 complex assembly factor 2; minus strand). Cytogenetic location: 17p11.2.
Variant type: single nucleotide variant.
Coding change: c.732+5G>A on transcript NM_145691.4 (MANE Select); 5 bases into the intron after coding-DNA position 732, G replaced by A.
Molecular consequence: intron variant.
Genome position (GRCh38, 1-based): chr17:18,021,118, C>T on the plus strand (G>A on the coding strand, the complement: ATPAF2 is on the minus strand). VCF-style: chr17-18021118-C-T. GRCh37 (hg19) VCF-style: chr17-17924432-C-T.
Identifiers: ClinVar variation 3625791 (VCV003625791.2).
Genomic context (GRCh38, chr17:18,021,118, plus strand): 5'-GCTGCTCCCCCAAAGTGAGTCTGAACTAGGAAGGGGGAGGCGGGACCTGAGGTGCTGCTC[C>T]TCACCTGGTACTCCTCCTCCAGGCGTGACAGCAGCACGGCCTGCTCCACTGTCAGGCGCA-3'